The following is an entry in ClinVar:

NM_000268.4(NF2):c.1621G>A (p.Glu541Lys)

Gene: NF2 (NF2, moesin-ezrin-radixin like (MERLIN) tumor suppressor; plus strand). Cytogenetic location: 22q12.2.
Variant type: single nucleotide variant.
Coding change: c.1621G>A on transcript NM_000268.4 (MANE Select); coding-DNA position 1621, G replaced by A.
Protein change: p.Glu541Lys; replaces glutamic acid 541 with lysine.
Molecular consequence: missense variant. On other transcripts: intron variant (3).
Genome position (GRCh38, 1-based): chr22:29,681,485, G>A. VCF-style: chr22-29681485-G-A. GRCh37 (hg19) VCF-style: chr22-30077474-G-A.
Other names: c.1507G>A, p.Glu503Lys (NM_001407053.1, NM_001407056.1); c.1498G>A, p.Glu500Lys (NM_001407054.1, NM_001407058.1, NM_181829.3); c.1495G>A, p.Glu499Lys (NM_001407055.1, NM_181828.3); c.1486G>A, p.Glu496Lys (NM_001407057.1, NM_001407059.1); c.1363G>A, p.Glu455Lys (NM_001407062.1); c.1372G>A, p.Glu458Lys (NM_001407063.1, NM_181830.3, NM_181831.3); c.1087G>A, p.Glu363Lys (NM_001407065.1); c.1621G>A, p.Glu541Lys (NM_001407066.1, NM_016418.5, NM_181825.3 and 1 more transcripts); and 4 more; short protein forms E363K, E455K, E458K, E464K, E496K, E499K, E500K, E503K.
Identifiers: ClinVar variation 3073828 (VCV003073828.1), dbSNP rs2147122741, ClinGen allele CA411150093.

ClinVar aggregate classification (germline): Uncertain significance (1 of 4 stars; one submission).

Conditions:
Neurofibromatosis, type 2 (SWNV). Also called: BILATERAL ACOUSTIC NEUROFIBROMATOSIS; NF2-Related Schwannomatosis; SCHWANNOMATOSIS, VESTIBULAR. Identifiers: Orphanet 637, MedGen C0027832, MONDO:0007039, OMIM 101000. Disease mechanism: loss of function.

Submission:

All of Us Research Program, National Institutes of Health
Classification: Uncertain significance for Neurofibromatosis, type 2. Last evaluated: 2023-10-06. Review status: criteria provided, single submitter. Criteria: ACMG Guidelines, 2015. Collection method: clinical testing. Allele origin: germline. Inheritance: Autosomal dominant inheritance. Observed: 1 variant allele, 1 heterozygote.
Comment: This missense variant replaces glutamic acid with lysine at codon 541 of the NF2 protein. Computational prediction is inconclusive regarding the impact of this variant on protein structure and function (internally defined REVEL score threshold 0.5 < inconclusive < 0.7, PMID: 27666373). To our knowledge, functional studies have not been reported for this variant. This variant has not been reported in individuals affected with NF2-related disorders in the literature. This variant has not been identified in the general population by the Genome Aggregation Database (gnomAD). The available evidence is insufficient to determine the role of this variant in disease conclusively. Therefore, this variant is classified as a Variant of Uncertain Significance.

This study involves interpretation of variants in research participants for the purpose of population health screening. Participant phenotype was not available at the time of variant classification. Additional details can be found in publication PMID: 35346344, PMCID: PMC8962531